The following is an entry in ClinVar:

ClinVar aggregate classification (germline): Pathogenic (1 of 4 stars; one submission).

Conditions:
Fanconi anemia (FA). Also called: Fanconi's anemia. Identifiers: Orphanet 84, MedGen C0015625, MeSH D005199, MONDO:0019391.

Submission:

Labcorp Genetics (formerly Invitae), Labcorp
Classification: Pathogenic for Fanconi anemia. Last evaluated: 2025-11-04. Review status: criteria provided, single submitter. Criteria: Invitae Variant Classification Sherloc (09022015). Collection method: clinical testing. Allele origin: germline.
Comment: This sequence change creates a premature translational stop signal (p.Leu152Glnfs*36) in the FANCL gene. It is expected to result in an absent or disrupted protein product. Loss-of-function variants in FANCL are known to be pathogenic (PMID: 19405097, 23613520). This variant is not present in population databases (gnomAD no frequency). This variant has not been reported in the literature in individuals affected with FANCL-related conditions. For these reasons, this variant has been classified as Pathogenic.

Literature cited by the submitters: PubMed 19405097; PubMed 23613520.

NM_018062.4(FANCL):c.455_456del (p.Leu152fs)

Gene: FANCL (FA complementation group L; minus strand). Cytogenetic location: 2p16.1.
Variant type: Microsatellite.
Coding change: c.455_456del on transcript NM_018062.4 (MANE Select); coding-DNA positions 455 to 456, 2 bases deleted (TC; older notation c.455_456delTC).
Protein change: p.Leu152fs; shifts the reading frame from leucine 152.
Molecular consequence: frameshift variant.
Genome position (GRCh38, 1-based): chr2:58,204,145-58,204,146, GA deleted on the plus strand (TC on the coding strand, the reverse complement: FANCL is on the minus strand); deleting any 2 consecutive bases within chr2:58,204,145-58,204,149 gives the same sequence; the c. name uses the placement nearest the transcript's 3' end. VCF-style (leftmost placement, unchanged base first): chr2-58204144-TGA-T. GRCh37 (hg19) VCF-style: chr2-58431279-TGA-T.
Other names: c.452_453CT[1], p.Leu152Glnfs (NM_001114636.2); c.455_456del, p.Leu152fs (NM_001374615.1, NM_001410792.1); short protein forms L152fs.
Identifiers: ClinVar variation 2825484 (VCV002825484.3), dbSNP rs2467183415, ClinGen allele CA2576974849.